The following is an entry in ClinVar:

ClinVar aggregate classification (germline): Uncertain significance (1 of 4 stars; one submission).

gnomAD v4.1: 1 of 1,614,066 alleles (0.000062%); no homozygotes.

Submission:

Ambry Genetics
Classification: Uncertain significance. Last evaluated: 2025-03-29. Review status: criteria provided, single submitter. Criteria: Ambry Variant Classification Scheme 2023. Collection method: clinical testing. Allele origin: germline.
Comment: The p.A594T variant (also known as c.1780G>A), located in coding exon 18 of the KIF1B gene, results from a G to A substitution at nucleotide position 1780. The alanine at codon 594 is replaced by threonine, an amino acid with similar properties. This amino acid position is conserved. In addition, the in silico prediction for this alteration is inconclusive. Based on the available evidence, the clinical significance of this variant remains unclear.

NM_001365951.3(KIF1B):c.1918G>A (p.Ala640Thr)

Gene: KIF1B (kinesin family member 1B; plus strand). Cytogenetic location: 1p36.22.
Variant type: single nucleotide variant.
Coding change: c.1918G>A on transcript NM_001365951.3 (MANE Select); coding-DNA position 1918, G replaced by A.
Protein change: p.Ala640Thr; replaces alanine 640 with threonine.
Molecular consequence: missense variant.
Genome position (GRCh38, 1-based): chr1:10,296,953, G>A. VCF-style: chr1-10296953-G-A. GRCh37 (hg19) VCF-style: chr1-10357011-G-A.
Other names: c.1918G>A, p.Ala640Thr (NM_001365952.1); c.1780G>A, p.Ala594Thr (NM_001365953.1, NM_015074.3, NM_183416.4); short protein forms A594T, A640T.
Identifiers: ClinVar variation 4043037 (VCV004043037.1).